The following is an entry in ClinVar:

ClinVar aggregate classification (germline): Uncertain significance (0 of 4 stars; one submission).

Conditions:
SMARCA5-related disorder. Also called: SMARCA5-related condition; SMARCA5-Related Disorders.

Allele frequency attached by ClinVar (database versions not stated): gnomAD exomes below 0.00001; gnomAD 0.00001; TOPMed 0.00002; ESP Exome Variant Server 0.00008.
gnomAD v4.1: 2 of 1,612,654 alleles (0.00012%); highest among the groups gnomAD compares: Non-Finnish European, 0.00017%; no homozygotes.

Submission:

PreventionGenetics, part of Exact Sciences
Classification: Uncertain significance for SMARCA5-related condition. Last evaluated: 2024-02-14. Review status: no assertion criteria provided. Collection method: clinical testing. Allele origin: germline.
Comment: The SMARCA5 c.1859G>A variant is predicted to result in the amino acid substitution p.Arg620His. To our knowledge, this variant has not been reported in the literature or in a large population database, indicating this variant is rare. At this time, the clinical significance of this variant is uncertain due to the absence of conclusive functional and genetic evidence.

NM_003601.4(SMARCA5):c.1859G>A (p.Arg620His)

Gene: SMARCA5 (SNF2 related chromatin remodeling ATPase 5; plus strand). Cytogenetic location: 4q31.21.
Variant type: single nucleotide variant.
Coding change: c.1859G>A on transcript NM_003601.4 (MANE Select); coding-DNA position 1859, G replaced by A.
Protein change: p.Arg620His; replaces arginine 620 with histidine.
Molecular consequence: missense variant.
Genome position (GRCh38, 1-based): chr4:143,540,451, G>A. VCF-style: chr4-143540451-G-A. GRCh37 (hg19) VCF-style: chr4-144461604-G-A.
Other names: short protein forms R620H.
Identifiers: ClinVar variation 3029131 (VCV003029131.2), dbSNP rs138302916, ClinGen allele CA106869975.